The following is an entry in ClinVar:

NM_001009944.3(PKD1):c.12508A>G (p.Lys4170Glu)

Gene: PKD1 (polycystin 1, transient receptor potential channel interacting; minus strand). Cytogenetic location: 16p13.3.
Variant type: single nucleotide variant.
Coding change: c.12508A>G on transcript NM_001009944.3 (MANE Select); coding-DNA position 12508, A replaced by G.
Protein change: p.Lys4170Glu; replaces lysine 4170 with glutamic acid.
Molecular consequence: missense variant.
Genome position (GRCh38, 1-based): chr16:2,090,131, T>C on the plus strand (A>G on the coding strand, the complement: PKD1 is on the minus strand). VCF-style: chr16-2090131-T-C. GRCh37 (hg19) VCF-style: chr16-2140132-T-C.
Other names: c.12505A>G, p.Lys4169Glu (NM_000296.4); short protein forms K4169E, K4170E.
Identifiers: ClinVar variation 4280122 (VCV004280122.1).

ClinVar aggregate classification (germline): Uncertain significance (1 of 4 stars; one submission).

Conditions:
Joubert syndrome 10 (JBTS10). Identifiers: Orphanet 2754, MedGen C2749019, MONDO:0010431, OMIM 300804.

gnomAD v4.1: 10 of 1,596,884 alleles (0.00063%); highest among the groups gnomAD compares: African/African-American, 0.0027%; no homozygotes.

Submission:

Johns Hopkins Genomics, Johns Hopkins University
Classification: Uncertain significance for Joubert syndrome 10. Last evaluated: 2025-01-07. Review status: criteria provided, single submitter. Criteria: ACMG Guidelines, 2015. Collection method: clinical testing. Allele origin: germline.
Comment: The clinical significance of this variant is uncertain (PM2, PP3).

Literature cited by the submitters: PubMed 10655152; PubMed 35620448.